The following is an entry in ClinVar:

ClinVar aggregate classification (germline): Uncertain significance. Review status: reviewed by expert panel (3 of 4 stars). 2 submissions from 2 submitters: Uncertain significance (1). 1 of the submissions does not count toward it. Last evaluated 2025-01-15.

Conditions:
Hereditary thrombocytopenia and hematological cancer predisposition syndrome associated with RUNX1. Also called: Familial Platelet Disorder with Propensity to Acute Myelogenous Leukemia; Familial thrombocytopenia with propensity to acute myelogenous leukemia; PLATELET DISORDER, ASPIRIN-LIKE; RUNX1 Familial Platelet Disorder with Associated Myeloid Malignancies. Identifiers: Orphanet 71290, MedGen C1832388, MeSH C563324, MONDO:0100083, OMIM 601399.
Hereditary thrombocytopenia and hematologic cancer predisposition syndrome. Identifiers: Orphanet 71290, MedGen CN281654, MONDO:0011071.

Submissions (2):

ClinGen Myeloid Malignancy Variant Curation Expert Panel
Classification: Uncertain significance for Hereditary thrombocytopenia and hematologic cancer predisposition syndrome. Last evaluated: 2025-01-15. Review status: reviewed by expert panel. Criteria: ClinGen MyeloMalig ACMG Specifications v2. Collection method: curation. Allele origin: germline. Inheritance: Autosomal dominant inheritance.
Comment: NM_001754.5(RUNX1):c.466G>A (p.Ala156Thr) is a missense variant which is completely absent from all population databases with at least 20x coverage for RUNX1 (PM2_supporting). This missense variant is located within the Runt Homology Domain (AA 89-204) but does not occur in an established hotspot residue (PM1_supporting). It has a REVEL score ≥ 0.88 (0.923) (PP3). This variant is a missense change at the same residue (p.A129) where a different missense change has been previously established as a likely pathogenic variant (ClinVar ID 14471) based on MM-VCEP rules for RUNX1 and RNA data or agreement in splicing predictors (SSF and MES) showing no splicing effects (PM5_supporting). In summary, the clinical significance of this variant is uncertain. ACMG/AMP criteria applied, as specified by the Myeloid Malignancy Variant Curation Expert Panel for RUNX1: PP3, PM1_supporting, PM2_supporting, PM5_supporting.

Labcorp Genetics (formerly Invitae), Labcorp
Classification: Uncertain significance for Hereditary thrombocytopenia and hematological cancer predisposition syndrome associated with RUNX1. Last evaluated: 2022-02-10. Review status: criteria provided, single submitter. Criteria: Invitae Variant Classification Sherloc (09022015). Collection method: clinical testing. Allele origin: germline. Not counted in ClinVar's aggregate classification.
Comment: This sequence change replaces alanine, which is neutral and non-polar, with threonine, which is neutral and polar, at codon 156 of the RUNX1 protein (p.Ala156Thr). This variant is not present in population databases (gnomAD no frequency). This variant disrupts the p.Ala156 amino acid residue in RUNX1. Other variant(s) that disrupt this residue have been determined to be pathogenic (PMID: 19357396, 27112265). This suggests that this residue is clinically significant, and that variants that disrupt this residue are likely to be disease-causing. In summary, the available evidence is currently insufficient to determine the role of this variant in disease. Therefore, it has been classified as a Variant of Uncertain Significance. This variant has not been reported in the literature in individuals affected with RUNX1-related conditions. Algorithms developed to predict the effect of missense changes on protein structure and function are either unavailable or do not agree on the potential impact of this missense change (SIFT: "Deleterious"; PolyPhen-2: "Probably Damaging"; Align-GVGD: "Class C0").

Literature cited by the submitters: PubMed 19357396 (cited by Labcorp Genetics (formerly Invitae), Labcorp); PubMed 27112265 (cited by Labcorp Genetics (formerly Invitae), Labcorp).

NM_001754.5(RUNX1):c.466G>A (p.Ala156Thr)

Genes: RUNX1 (RUNX family transcription factor 1; minus strand), RUNX1-AS1 (RUNX1 antisense RNA 1; plus strand). Cytogenetic location: 21q22.12.
Variant type: single nucleotide variant.
Coding change: c.466G>A on transcript NM_001754.5 (MANE Select); coding-DNA position 466, G replaced by A.
Protein change: p.Ala156Thr; replaces alanine 156 with threonine.
Molecular consequence: missense variant.
Genome position (GRCh38, 1-based): chr21:34,880,599, C>T on the plus strand (G>A on the coding strand, the complement: RUNX1 is on the minus strand). VCF-style: chr21-34880599-C-T. GRCh37 (hg19) VCF-style: chr21-36252896-C-T.
Other names: NM_001754.5(RUNX1):c.466G>A; p.Ala156Thr; c.385G>A, p.Ala129Thr (NM_001001890.3, NM_001122607.2); short protein forms A129T, A156T.
Identifiers: ClinVar variation 2091067 (VCV002091067.5), dbSNP rs2146361276, ClinGen allele CA410202554.